The following is an entry in ClinVar:

NM_001114753.3(ENG):c.1012C>A (p.Pro338Thr)

Gene: ENG (endoglin; minus strand). Cytogenetic location: 9q34.11.
Variant type: single nucleotide variant.
Coding change: c.1012C>A on transcript NM_001114753.3 (MANE Select); coding-DNA position 1012, C replaced by A.
Protein change: p.Pro338Thr; replaces proline 338 with threonine.
Molecular consequence: missense variant.
Genome position (GRCh38, 1-based): chr9:127,824,426, G>T on the plus strand (C>A on the coding strand, the complement: ENG is on the minus strand). VCF-style: chr9-127824426-G-T. GRCh37 (hg19) VCF-style: chr9-130586705-G-T.
Other names: c.1012C>A, p.Pro338Thr (NM_000118.4, NM_001406715.1); c.466C>A, p.Pro156Thr (NM_001278138.2); short protein forms P156T, P338T.
Identifiers: ClinVar variation 4870406 (VCV004870406.1).

ClinVar aggregate classification (germline): Uncertain significance (1 of 4 stars; one submission).

Conditions:
Cardiovascular phenotype. Identifiers: MedGen CN230736.

Submission:

Ambry Genetics
Classification: Uncertain significance for Cardiovascular phenotype. Last evaluated: 2026-04-11. Review status: criteria provided, single submitter. Criteria: Ambry Variant Classification Scheme 2023. Collection method: clinical testing. Allele origin: germline.
Comment: The p.P338T variant (also known as c.1012C>A), located in coding exon 8 of the ENG gene, results from a C to A substitution at nucleotide position 1012. The proline at codon 338 is replaced by threonine, an amino acid with highly similar properties. This amino acid position is conserved. In addition, this alteration is predicted to be tolerated by in silico analysis. Based on the available evidence, the clinical significance of this variant remains unclear.